The following is an entry in ClinVar:

NM_000321.3(RB1):c.393C>A (p.Phe131Leu)

Gene: RB1 (RB transcriptional corepressor 1; plus strand). Cytogenetic location: 13q14.2.
Variant type: single nucleotide variant.
Coding change: c.393C>A on transcript NM_000321.3 (MANE Select); coding-DNA position 393, C replaced by A.
Protein change: p.Phe131Leu; replaces phenylalanine 131 with leucine.
Molecular consequence: missense variant.
Genome position (GRCh38, 1-based): chr13:48,345,092, C>A. VCF-style: chr13-48345092-C-A. GRCh37 (hg19) VCF-style: chr13-48919228-C-A.
Other names: short protein forms F131L.
Identifiers: ClinVar variation 1003344 (VCV001003344.13), dbSNP rs749495284, ClinGen allele CA388252619.

ClinVar aggregate classification (germline): Uncertain significance. Review status: criteria provided, multiple submitters, no conflicts (2 of 4 stars). 3 submissions from 3 submitters: Uncertain significance (3). Last evaluated 2024-08-26.

Conditions:
Hereditary cancer-predisposing syndrome. Also called: Hereditary neoplastic syndrome; Neoplastic Syndromes, Hereditary; Tumor predisposition; Hereditary Cancer Syndrome. Identifiers: Orphanet 140162, MedGen C0027672, MeSH D009386, MONDO:0015356.
Retinoblastoma (RB1). Also called: RETINOBLASTOMA, SOMATIC. Identifiers: Orphanet 790, MedGen C0035335, MeSH D012175, MONDO:0008380, OMIM 180200, HP:0009919. Disease mechanism: loss of function. Inheritance: Both sporadic and heritable forms are tested..

gnomAD v4.1: 12 of 1,611,612 alleles (0.00074%); highest among the groups gnomAD compares: Non-Finnish European, 0.001%; no homozygotes.

Submissions (3):

Labcorp Genetics (formerly Invitae), Labcorp
Classification: Uncertain significance for Retinoblastoma. Last evaluated: 2024-08-26. Review status: criteria provided, single submitter. Criteria: Invitae Variant Classification Sherloc (09022015). Collection method: clinical testing. Allele origin: germline.
Comment: This sequence change replaces phenylalanine, which is neutral and non-polar, with leucine, which is neutral and non-polar, at codon 131 of the RB1 protein (p.Phe131Leu). This variant is not present in population databases (gnomAD no frequency). This variant has not been reported in the literature in individuals affected with RB1-related conditions. ClinVar contains an entry for this variant (Variation ID: 1003344). Invitae Evidence Modeling of protein sequence and biophysical properties (such as structural, functional, and spatial information, amino acid conservation, physicochemical variation, residue mobility, and thermodynamic stability) indicates that this missense variant is not expected to disrupt RB1 protein function with a negative predictive value of 80%. In summary, the available evidence is currently insufficient to determine the role of this variant in disease. Therefore, it has been classified as a Variant of Uncertain Significance.

Ambry Genetics
Classification: Uncertain significance for Hereditary cancer-predisposing syndrome. Last evaluated: 2024-05-29. Review status: criteria provided, single submitter. Criteria: Ambry Variant Classification Scheme 2023. Collection method: clinical testing. Allele origin: germline.
Comment: The p.F131L variant (also known as c.393C>A), located in coding exon 4 of the RB1 gene, results from a C to A substitution at nucleotide position 393. The phenylalanine at codon 131 is replaced by leucine, an amino acid with highly similar properties. This amino acid position is highly conserved in available vertebrate species. In addition, the in silico prediction for this alteration is inconclusive. Based on the available evidence, the clinical significance of this variant remains unclear.

All of Us Research Program, National Institutes of Health
Classification: Uncertain significance for Retinoblastoma. Last evaluated: 2023-04-03. Review status: criteria provided, single submitter. Criteria: ACMG Guidelines, 2015. Collection method: clinical testing. Allele origin: germline. Inheritance: Autosomal dominant inheritance. Observed: 1 variant allele, 1 heterozygote.
Comment: This missense variant replaces phenylalanine with leucine at codon 131 of the RB1 protein. Computational prediction is inconclusive regarding the impact of this variant on protein structure and function (internally defined REVEL score threshold 0.5 < inconclusive < 0.7, PMID: 27666373). To our knowledge, functional studies have not been reported for this variant. This variant has not been reported in individuals affected with RB1-related disorders in the literature. This variant has not been identified in the general population by the Genome Aggregation Database (gnomAD). The available evidence is insufficient to determine the role of this variant in disease conclusively. Therefore, this variant is classified as a Variant of Uncertain Significance.

This study involves interpretation of variants in research participants for the purpose of population health screening. Participant phenotype was not available at the time of variant classification. Additional details can be found in publication PMID: 35346344, PMCID: PMC8962531